The following is an entry in ClinVar:

NM_001363540.2(DOCK4):c.2686C>T (p.Arg896Ter)

Gene: DOCK4 (dedicator of cytokinesis 4; minus strand). Cytogenetic location: 7q31.1.
Variant type: single nucleotide variant.
Coding change: c.2686C>T on transcript NM_001363540.2 (MANE Select); coding-DNA position 2686, C replaced by T.
Protein change: p.Arg896Ter; replaces arginine 896 with a stop codon.
Molecular consequence: nonsense.
Genome position (GRCh38, 1-based): chr7:111,844,813, G>A on the plus strand (C>T on the coding strand, the complement: DOCK4 is on the minus strand). VCF-style: chr7-111844813-G-A. GRCh37 (hg19) VCF-style: chr7-111484869-G-A.
Other names: c.2686C>T, p.Arg896Ter (NM_014705.4); short protein forms R896*.
Identifiers: ClinVar variation 4983049 (VCV004983049.1).
Genomic context (GRCh38, chr7:111,844,813, plus strand): 5'-ATGATCTTACAGTGACATCCTGGAACTGGAACCGCATTGCTGAGCTGGATGGCTGAGGTC[G>A]GCTGGTGATCTCCAATATGGTCCTCAGCAGAATATCCAGCAAGCTGGCCACTATCACATC-3'

ClinVar aggregate classification (germline): Uncertain significance (1 of 4 stars; one submission).

Conditions:
DOCK4-related disorder. Also called: DOCK4-related condition.

gnomAD v4.1: 3 of 1,613,666 alleles (0.00019%); highest among the groups gnomAD compares: Non-Finnish European, 0.00025%; no homozygotes.

Submission:

PreventionGenetics, part of Exact Sciences
Classification: Uncertain significance for DOCK4-related condition. Last evaluated: 2026-03-26. Review status: criteria provided, single submitter. Criteria: ACMG Guidelines, 2015. Collection method: clinical testing. Allele origin: germline.
Comment: The DOCK4 c.2686C>T variant is predicted to result in premature protein termination (p.Arg896*). To our knowledge, this variant has not been reported in the literature. This variant is reported in 0.00089% of alleles in individuals of European (Non-Finnish) descent in gnomAD. Nonsense variants are not an established mechanism of disease at this time. At this time, the clinical significance of this variant is uncertain due to the absence of conclusive functional and genetic evidence.